The following is an entry in ClinVar:

NM_001927.4(DES):c.1085G>A (p.Gly362Asp)

Gene: DES (desmin; plus strand). Cytogenetic location: 2q35.
Variant type: single nucleotide variant.
Coding change: c.1085G>A on transcript NM_001927.4 (MANE Select); coding-DNA position 1085, G replaced by A.
Protein change: p.Gly362Asp; replaces glycine 362 with aspartic acid.
Molecular consequence: missense variant. On other transcripts: intron variant (2).
Genome position (GRCh38, 1-based): chr2:219,421,401, G>A. VCF-style: chr2-219421401-G-A. GRCh37 (hg19) VCF-style: chr2-220286123-G-A.
Other names: c.1082G>A, p.Gly361Asp (NM_001382708.1); c.1064G>A, p.Gly355Asp (NM_001382711.1); c.1085G>A, p.Gly362Asp (NM_001382712.1); c.815G>A, p.Gly272Asp (NM_001382713.1); c.1024-8G>A (NM_001382710.1); c.736-83G>A (NM_001382709.1); short protein forms G272D, G355D, G362D, G361D.
Identifiers: ClinVar variation 2178066 (VCV002178066.4), dbSNP rs2545254897, ClinGen allele CA350694085.

ClinVar aggregate classification (germline): Uncertain significance (1 of 4 stars; one submission).

Conditions:
Desmin-related myofibrillar myopathy (MFM1). Also called: Desminopathy; Desmin related myopathy (former name); Desmin storage myopathy (former name); Myofibrillar myopathy 1; MYOFIBRILLAR MYOPATHY WITH ARRHYTHMOGENIC RIGHT VENTRICULAR CARDIOMYOPATHY; DESMIN-RELATED MYOPATHY WITH ARRHYTHMOGENIC RIGHT VENTRICULAR CARDIOMYOPATHY. Identifiers: Orphanet 363543, Orphanet 98909, MedGen C1832370, MONDO:0011076, OMIM 601419.

Allele frequency attached by ClinVar (database versions not stated): gnomAD exomes below 0.00001.
gnomAD v4.1: 1 of 1,614,136 alleles (0.000062%); highest among the groups gnomAD compares: Non-Finnish European, 0.000085%; no homozygotes.

Submission:

Labcorp Genetics (formerly Invitae), Labcorp
Classification: Uncertain significance for Desmin-related myofibrillar myopathy. Last evaluated: 2022-05-04. Review status: criteria provided, single submitter. Criteria: Invitae Variant Classification Sherloc (09022015). Collection method: clinical testing. Allele origin: germline.
Comment: This variant is not present in population databases (gnomAD no frequency). In summary, the available evidence is currently insufficient to determine the role of this variant in disease. Therefore, it has been classified as a Variant of Uncertain Significance. Algorithms developed to predict the effect of missense changes on protein structure and function are either unavailable or do not agree on the potential impact of this missense change (SIFT: "Tolerated"; PolyPhen-2: "Possibly Damaging"; Align-GVGD: "Class C0"). This variant has not been reported in the literature in individuals affected with DES-related conditions. This sequence change replaces glycine, which is neutral and non-polar, with aspartic acid, which is acidic and polar, at codon 362 of the DES protein (p.Gly362Asp).